The following is an entry in ClinVar:

ClinVar aggregate classification (germline): Uncertain significance (1 of 4 stars; one submission).

Allele frequency attached by ClinVar (database versions not stated): TOPMed below 0.00001.
gnomAD v4.1: 1 of 1,613,940 alleles (0.000062%); highest among the groups gnomAD compares: Non-Finnish European, 0.000085%; no homozygotes.

Submission:

Labcorp Genetics (formerly Invitae), Labcorp
Classification: Uncertain significance. Last evaluated: 2022-06-20. Review status: criteria provided, single submitter. Criteria: Invitae Variant Classification Sherloc (09022015). Collection method: clinical testing. Allele origin: germline.
Comment: This sequence change replaces glutamic acid, which is acidic and polar, with glutamine, which is neutral and polar, at codon 4727 of the ADGRV1 protein (p.Glu4727Gln). This variant is not present in population databases (gnomAD no frequency). This variant has not been reported in the literature in individuals affected with ADGRV1-related conditions. Algorithms developed to predict the effect of missense changes on protein structure and function output the following: SIFT: "Deleterious"; PolyPhen-2: "Probably Damaging"; Align-GVGD: "Class C0". The glutamine amino acid residue is found in multiple mammalian species, which suggests that this missense change does not adversely affect protein function. In summary, the available evidence is currently insufficient to determine the role of this variant in disease. Therefore, it has been classified as a Variant of Uncertain Significance.

NM_032119.4(ADGRV1):c.14179G>C (p.Glu4727Gln)

Gene: ADGRV1 (adhesion G protein-coupled receptor V1; plus strand). Cytogenetic location: 5q14.3.
Variant type: single nucleotide variant.
Coding change: c.14179G>C on transcript NM_032119.4 (MANE Select); coding-DNA position 14179, G replaced by C.
Protein change: p.Glu4727Gln; replaces glutamic acid 4727 with glutamine.
Molecular consequence: missense variant. On other transcripts: non-coding transcript variant (1).
Genome position (GRCh38, 1-based): chr5:90,791,008, G>C. VCF-style: chr5-90791008-G-C. GRCh37 (hg19) VCF-style: chr5-90086825-G-C.
Other names: short protein forms E4727Q.
Identifiers: ClinVar variation 1947482 (VCV001947482.2), dbSNP rs1760007995, ClinGen allele CA360400312.